The following is an entry in ClinVar:

NM_000334.4(SCN4A):c.749T>C (p.Leu250Pro)

Gene: SCN4A (sodium voltage-gated channel alpha subunit 4; minus strand). Cytogenetic location: 17q23.3.
Variant type: single nucleotide variant.
Coding change: c.749T>C on transcript NM_000334.4 (MANE Select); coding-DNA position 749, T replaced by C.
Protein change: p.Leu250Pro; replaces leucine 250 with proline.
Molecular consequence: missense variant.
Genome position (GRCh38, 1-based): chr17:63,968,310, A>G on the plus strand (T>C on the coding strand, the complement: SCN4A is on the minus strand). VCF-style: chr17-63968310-A-G. GRCh37 (hg19) VCF-style: chr17-62045670-A-G.
Other names: short protein forms L250P.
Identifiers: ClinVar variation 381540 (VCV000381540.10), dbSNP rs1057521065, ClinGen allele CA16607433.

ClinVar aggregate classification (germline): Pathogenic/Likely pathogenic. Review status: criteria provided, multiple submitters, no conflicts (2 of 4 stars). 2 submissions from 2 submitters: Pathogenic (1); Likely pathogenic (1). Last evaluated 2021-04-23.

Conditions:
Hyperkalemic periodic paralysis. Also called: Familial hyperkalemic periodic paralysis; Gamstorp disease. Identifiers: Orphanet 682, MedGen C0238357, MONDO:0008224, OMIM 170500, HP:0007215.

Allele frequency attached by ClinVar (database versions not stated): gnomAD 0.00001.
gnomAD v4.1: 1 of 1,610,404 alleles (0.000062%); highest among the groups gnomAD compares: Admixed American, 0.0017%; no homozygotes.

Submissions (2):

Labcorp Genetics (formerly Invitae), Labcorp
Classification: Pathogenic for Hyperkalemic periodic paralysis. Last evaluated: 2021-04-23. Review status: criteria provided, single submitter. Criteria: Invitae Variant Classification Sherloc (09022015). Collection method: clinical testing. Allele origin: germline.
Comment: For these reasons, this variant has been classified as Pathogenic. Algorithms developed to predict the effect of missense changes on protein structure and function (SIFT, PolyPhen-2, Align-GVGD) all suggest that this variant is likely to be disruptive, but these predictions have not been confirmed by published functional studies and their clinical significance is uncertain. This variant has been observed in individual(s) with sodium channel myotonia (PMID: 19876661). It has also been observed to segregate with disease in related individuals. ClinVar contains an entry for this variant (Variation ID: 381540). This variant is not present in population databases (ExAC no frequency). This sequence change replaces leucine with proline at codon 250 of the SCN4A protein (p.Leu250Pro). The leucine residue is highly conserved and there is a moderate physicochemical difference between leucine and proline.

GeneDx
Classification: Likely pathogenic. Last evaluated: 2016-11-21. Review status: criteria provided, single submitter. Criteria: GeneDx Variant Classification (06012015). Collection method: clinical testing. Allele origin: germline. Affected: yes.
Comment: A variant that is likely pathogenic has been identified in the SCN4A gene. The L250P variant has been previously reported as a heterozygous variant in multiple families with sodium channel myotonia (Trip et al., 2008; Stunnenberg et al., 2010). It was not observed in approximately 6,400 individuals of European and African American ancestry in the NHLBI Exome Sequencing Project, indicating it is not a common benign variant in these populations. The L250P variant is a semi-conservative amino acid substitution, which may impact secondary protein structure as these residues differ in some properties. This substitution occurs at a position that is conserved across species, and in silico analysis predicts this variant is probably damaging to the protein structure/function. Therefore, this variant is likely pathogenic; however, the possibility that it is benign cannot be excluded.

Literature cited by the submitters: PubMed 19876661 (cited by Labcorp Genetics (formerly Invitae), Labcorp).